The following is an entry in ClinVar:

NM_000455.5(STK11):c.1079_1087del (p.Ile360_Tyr362del)

Genes: STK11 (serine/threonine kinase 11; plus strand), LOC130062899 (ATAC-STARR-seq lymphoblastoid active region 13597; plus strand). Cytogenetic location: 19p13.3.
Variant type: Deletion.
Coding change: c.1079_1087del on transcript NM_000455.5 (MANE Select); coding-DNA positions 1079 to 1087, 9 bases deleted (TCATCTACA; older notation c.1079_1087delTCATCTACA).
Protein change: p.Ile360_Tyr362del.
Molecular consequence: non-coding transcript variant (on NR_176325.1).
Genome position (GRCh38, 1-based): chr19:1,223,143-1,223,151, TCATCTACA deleted; deleting any 9 consecutive bases within chr19:1,223,140-1,223,151 gives the same sequence; the c. name uses the placement nearest the transcript's 3' end. VCF-style (leftmost placement, unchanged base first): chr19-1223139-GACATCATCT-G. GRCh37 (hg19) VCF-style: chr19-1223138-GACATCATCT-G.
Other names: c.1079_1087del, p.Ile360_Tyr362del (NM_001407255.1).
Identifiers: ClinVar variation 3729285 (VCV003729285.2).

ClinVar aggregate classification (germline): Uncertain significance (1 of 4 stars; one submission).

Conditions:
Peutz-Jeghers syndrome (PJS). Also called: POLYPOSIS, HAMARTOMATOUS INTESTINAL; POLYPS-AND-SPOTS SYNDROME; Peutz-Jeghers polyposis; Periorificial lentiginosis syndrome. Identifiers: Orphanet 2869, MedGen C0031269, MeSH D010580, MONDO:0008280, OMIM 175200.

Submission:

Labcorp Genetics (formerly Invitae), Labcorp
Classification: Uncertain significance for Peutz-Jeghers syndrome. Last evaluated: 2025-01-21. Review status: criteria provided, single submitter. Criteria: Invitae Variant Classification Sherloc (09022015). Collection method: clinical testing. Allele origin: germline.
Comment: This variant, c.1079_1087del, results in the deletion of 3 amino acid(s) of the STK11 protein (p.Ile360_Tyr362del), but otherwise preserves the integrity of the reading frame. This variant is not present in population databases (gnomAD no frequency). This variant has not been reported in the literature in individuals affected with STK11-related conditions. Experimental studies and prediction algorithms are not available or were not evaluated, and the functional significance of this variant is currently unknown. In summary, the available evidence is currently insufficient to determine the role of this variant in disease. Therefore, it has been classified as a Variant of Uncertain Significance.